The following is an entry in ClinVar:

NM_181882.3(PRX):c.3275T>G (p.Val1092Gly)

Gene: PRX (periaxin; minus strand). Cytogenetic location: 19q13.2.
Variant type: single nucleotide variant.
Coding change: c.3275T>G on transcript NM_181882.3 (MANE Select); coding-DNA position 3275, T replaced by G.
Protein change: p.Val1092Gly; replaces valine 1092 with glycine.
Molecular consequence: missense variant. On other transcripts: 3 prime UTR variant (1).
Genome position (GRCh38, 1-based): chr19:40,395,077, A>C on the plus strand (T>G on the coding strand, the complement: PRX is on the minus strand). VCF-style: chr19-40395077-A-C. GRCh37 (hg19) VCF-style: chr19-40900984-A-C.
Other names: c.*3480T>G (NM_020956.2); short protein forms V1092G.
Identifiers: ClinVar variation 1305476 (VCV001305476.4), dbSNP rs202065092, ClinGen allele CA9443890.

ClinVar aggregate classification (germline): Conflicting classifications of pathogenicity. Review status: criteria provided, conflicting classifications (1 of 4 stars). 2 submissions from 2 submitters: Uncertain significance (1); Likely benign (1). Last evaluated 2021-09-01.

Conditions:
Inborn genetic diseases. Identifiers: MedGen C0950123, MeSH D030342.

Allele frequency attached by ClinVar (database versions not stated): gnomAD 0.00001 and 0.00003; gnomAD exomes 0.00001 and 0.00007; TOPMed 0.00003; ExAC 0.00008.

Submissions (2):

Ambry Genetics
Classification: Likely benign for Inborn genetic diseases. Last evaluated: 2021-09-01. Review status: criteria provided, single submitter. Criteria: Ambry Variant Classification Scheme 2023. Collection method: clinical testing. Allele origin: germline.

GeneDx
Classification: Uncertain significance. Last evaluated: 2019-04-26. Review status: criteria provided, single submitter. Criteria: GeneDx Variant Classification Process June 2021. Collection method: clinical testing. Allele origin: germline. Affected: yes.
Comment: In silico analysis, which includes protein predictors and evolutionary conservation, supports that this variant does not alter protein structure/function; Has not been previously published as pathogenic or benign to our knowledge